The following is an entry in ClinVar:

NM_001349253.2(SCN11A):c.2745G>C (p.Trp915Cys)

Gene: SCN11A (sodium voltage-gated channel alpha subunit 11; minus strand). Cytogenetic location: 3p22.2.
Variant type: single nucleotide variant.
Coding change: c.2745G>C on transcript NM_001349253.2 (MANE Select); coding-DNA position 2745, G replaced by C.
Protein change: p.Trp915Cys; replaces tryptophan 915 with cysteine.
Molecular consequence: missense variant.
Genome position (GRCh38, 1-based): chr3:38,894,623, C>G on the plus strand (G>C on the coding strand, the complement: SCN11A is on the minus strand). VCF-style: chr3-38894623-C-G. GRCh37 (hg19) VCF-style: chr3-38936114-C-G.
Other names: c.2745G>C, p.Trp915Cys (NM_014139.3); short protein forms W915C.
Identifiers: ClinVar variation 1368513 (VCV001368513.8), dbSNP rs766711573, ClinGen allele CA2321978.

ClinVar aggregate classification (germline): Uncertain significance. Review status: criteria provided, multiple submitters, no conflicts (2 of 4 stars). 2 submissions from 2 submitters: Uncertain significance (2). Last evaluated 2025-01-20.

Conditions:
Hereditary sensory and autonomic neuropathy type 7. Also called: Neuropathy, hereditary sensory and autonomic, type VII; HSAN VII. Identifiers: Orphanet 391397, MedGen C3809882, MONDO:0014244, OMIM 615548.
Familial episodic pain syndrome with predominantly lower limb involvement. Also called: Episodic pain syndrome, familial, 3. Identifiers: Orphanet 391384, Orphanet 391392, MedGen C3809899, MONDO:0014247, OMIM 615552.
Inborn genetic diseases. Identifiers: MedGen C0950123, MeSH D030342.

Allele frequency attached by ClinVar (database versions not stated): ExAC 0.00001; gnomAD 0.00001; gnomAD exomes 0.00001 and 0.00003; TOPMed 0.00001.
gnomAD v4.1: 47 of 1,614,038 alleles (0.0029%); highest among the groups gnomAD compares: Non-Finnish European, 0.0038%; no homozygotes.

Submissions (2):

Labcorp Genetics (formerly Invitae), Labcorp
Classification: Uncertain significance for Familial episodic pain syndrome with predominantly lower limb involvement; Hereditary sensory and autonomic neuropathy type 7. Last evaluated: 2025-01-20. Review status: criteria provided, single submitter. Criteria: Invitae Variant Classification Sherloc (09022015). Collection method: clinical testing. Allele origin: germline.
Comment: This sequence change replaces tryptophan, which is neutral and slightly polar, with cysteine, which is neutral and slightly polar, at codon 915 of the SCN11A protein (p.Trp915Cys). This variant is present in population databases (rs766711573, gnomAD 0.002%). This variant has not been reported in the literature in individuals affected with SCN11A-related conditions. ClinVar contains an entry for this variant (Variation ID: 1368513). Invitae Evidence Modeling of protein sequence and biophysical properties (such as structural, functional, and spatial information, amino acid conservation, physicochemical variation, residue mobility, and thermodynamic stability) indicates that this missense variant is not expected to disrupt SCN11A protein function with a negative predictive value of 80%. In summary, the available evidence is currently insufficient to determine the role of this variant in disease. Therefore, it has been classified as a Variant of Uncertain Significance.

Ambry Genetics
Classification: Uncertain significance for Inborn genetic diseases. Last evaluated: 2020-03-20. Review status: criteria provided, single submitter. Criteria: Ambry Variant Classification Scheme 2023. Collection method: clinical testing. Allele origin: germline.
Comment: The p.W915C variant (also known as c.2745G>C), located in coding exon 15 of the SCN11A gene, results from a G to C substitution at nucleotide position 2745. The tryptophan at codon 915 is replaced by cysteine, an amino acid with highly dissimilar properties. This amino acid position is not well conserved in available vertebrate species. In addition, this alteration is predicted to be tolerated by in silico analysis. Since supporting evidence is limited at this time, the clinical significance of this alteration remains unclear.